The following is an entry in ClinVar:

ClinVar aggregate classification (germline): Pathogenic (0 of 4 stars; one submission).

Conditions:
Fanconi anemia complementation group A (FANCA). Also called: Fanconi anemia, group A; FANCA-Related Fanconi Anemia. Identifiers: Orphanet 84, MedGen C3469521, MONDO:0009215, OMIM 227650.

Submission:

Leiden Open Variation Database
Classification: Pathogenic for Fanconi anemia complementation group A. Last evaluated: 2020-02-28. Review status: no assertion criteria provided. Collection method: curation. Allele origin: germline. Affected: yes.
Comment: Curator: Arleen D. Auerbach. Submitter to LOVD: Arleen D. Auerbach.

Literature cited by the submitters: PubMed 10521298.

NC_000016.10:g.(89762023_89764889)_(89775816_89778800)del

Gene: FANCA (FA complementation group A; minus strand). Cytogenetic location: 16q24.3.
Variant type: Deletion.
Identifiers: ClinVar variation 974130 (VCV000974130.1).